The following is an entry in ClinVar:

NM_014874.4(MFN2):c.1815C>T (p.Thr605=)

Gene: MFN2 (mitofusin 2; plus strand). Cytogenetic location: 1p36.22.
Variant type: single nucleotide variant.
Coding change: c.1815C>T on transcript NM_014874.4 (MANE Select); coding-DNA position 1815, C replaced by T.
Protein change: p.Thr605=; no amino-acid change (threonine 605 retained).
Molecular consequence: synonymous variant.
Genome position (GRCh38, 1-based): chr1:12,006,636, C>T. VCF-style: chr1-12006636-C-T. GRCh37 (hg19) VCF-style: chr1-12066693-C-T.
Other names: c.1815C>T, p.Thr605= (NM_001127660.2).
Identifiers: ClinVar variation 702053 (VCV000702053.11), dbSNP rs751029047, ClinGen allele CA599228.

ClinVar aggregate classification (germline): Likely benign. Review status: criteria provided, multiple submitters, no conflicts (2 of 4 stars). 3 submissions from 3 submitters: Likely benign (2). 1 of the submissions does not count toward it. Last evaluated 2025-11-02.

Conditions:
Charcot-Marie-Tooth disease. Also called: Charcot-Marie-Tooth Hereditary Neuropathy; Charcot-Marie-Tooth Neuropathy. Identifiers: Orphanet 166, MedGen C0007959, MONDO:0015626.
MFN2-related disorder. Also called: MFN2-related condition; MFN2-related disorders.
Charcot-Marie-Tooth disease type 2. Also called: Charcot-Marie-Tooth type 2. Identifiers: Orphanet 64746, MedGen C0270914, MONDO:0018993.

Allele frequency attached by ClinVar (database versions not stated): TOPMed below 0.00001; gnomAD exomes 0.00002 and 0.00001; ExAC 0.00001; gnomAD 0.00001.
gnomAD v4.1: 18 of 1,613,980 alleles (0.0011%); highest among the groups gnomAD compares: East Asian, 0.025%; no homozygotes.

Submissions (3):

Labcorp Genetics (formerly Invitae), Labcorp
Classification: Likely benign for Charcot-Marie-Tooth disease type 2. Last evaluated: 2025-11-02. Review status: criteria provided, single submitter. Criteria: Invitae Variant Classification Sherloc (09022015). Collection method: clinical testing. Allele origin: germline.

Molecular Genetics Laboratory, London Health Sciences Centre
Classification: Likely benign for Charcot-Marie-Tooth disease. Review status: criteria provided, single submitter. Criteria: ACMG Guidelines, 2015. Collection method: clinical testing. Allele origin: germline. Affected: yes.

PreventionGenetics, part of Exact Sciences
Classification: Likely benign for MFN2-related condition. Last evaluated: 2019-04-29. Review status: no assertion criteria provided. Collection method: clinical testing. Allele origin: germline. Not counted in ClinVar's aggregate classification.
Comment: This variant is classified as likely benign based on ACMG/AMP sequence variant interpretation guidelines (Richards et al. 2015 PMID: 25741868, with internal and published modifications).